The following is an entry in ClinVar:

ClinVar aggregate classification (germline): Uncertain significance (1 of 4 stars; one submission).

gnomAD v4.1: 1 of 1,209,935 alleles (0.000083%); highest among the groups gnomAD compares: South Asian, 0.0018%; no homozygotes.

Submission:

GeneDx
Classification: Uncertain significance. Last evaluated: 2026-03-05. Review status: criteria provided, single submitter. Criteria: GeneDx Variant Classification Process June 2021. Collection method: clinical testing. Allele origin: germline.
Comment: Not observed at significant frequency in large population cohorts (gnomAD); In silico analysis suggests that this missense variant does not alter protein structure/function; Has not been previously published as pathogenic or benign to our knowledge

NM_014271.4(IL1RAPL1):c.980G>A (p.Gly327Asp)

Gene: IL1RAPL1 (interleukin 1 receptor accessory protein like 1; plus strand). Cytogenetic location: Xp21.2.
Variant type: single nucleotide variant.
Coding change: c.980G>A on transcript NM_014271.4 (MANE Select); coding-DNA position 980, G replaced by A.
Protein change: p.Gly327Asp; replaces glycine 327 with aspartic acid.
Molecular consequence: missense variant.
Genome position (GRCh38, 1-based): chrX:29,920,017, G>A. VCF-style: chrX-29920017-G-A. GRCh37 (hg19) VCF-style: chrX-29938134-G-A.
Other names: short protein forms G327D.
Identifiers: ClinVar variation 5008668 (VCV005008668.1).